The following is an entry in ClinVar:

NM_000138.5(FBN1):c.4373T>G (p.Phe1458Cys)

Gene: FBN1 (fibrillin 1; minus strand). Cytogenetic location: 15q21.1.
Variant type: single nucleotide variant.
Coding change: c.4373T>G on transcript NM_000138.5 (MANE Select); coding-DNA position 4373, T replaced by G.
Protein change: p.Phe1458Cys; replaces phenylalanine 1458 with cysteine.
Molecular consequence: missense variant.
Genome position (GRCh38, 1-based): chr15:48,470,720, A>C on the plus strand (T>G on the coding strand, the complement: FBN1 is on the minus strand). VCF-style: chr15-48470720-A-C. GRCh37 (hg19) VCF-style: chr15-48762917-A-C.
Other names: c.4373T>G, p.Phe1458Cys (NM_001406716.1); short protein forms F1458C.
Identifiers: ClinVar variation 2645314 (VCV002645314.24), dbSNP rs2505508586, ClinGen allele CA392354658.

ClinVar aggregate classification (germline): Uncertain significance (1 of 4 stars; one submission).

Submission:

CeGaT Center for Human Genetics Tuebingen
Classification: Uncertain significance. Last evaluated: 2022-12-01. Review status: criteria provided, single submitter. Criteria: CeGaT Center For Human Genetics Tuebingen Variant Classification Criteria Version 2. Collection method: clinical testing. Allele origin: germline. Affected: yes. Observed: 1 variant allele.
Comment: FBN1: PM2, PP2